The following is an entry in ClinVar:

ClinVar aggregate classification (germline): Conflicting classifications of pathogenicity. Review status: criteria provided, conflicting classifications (1 of 4 stars). 8 submissions from 8 submitters: Uncertain significance (6); Likely benign (2). Last evaluated 2025-10-20.

Conditions:
BARD1-related cancer predisposition. Identifiers: MedGen CN377756, MONDO:0700267.
Hereditary cancer-predisposing syndrome. Also called: Hereditary neoplastic syndrome; Tumor predisposition; Hereditary Cancer Syndrome; Neoplastic Syndromes, Hereditary. Identifiers: Orphanet 140162, MedGen C0027672, MeSH D009386, MONDO:0015356.
Familial cancer of breast. Also called: hereditary breast carcinoma; Hereditary breast cancer; BREAST CANCER, FAMILIAL. Identifiers: Orphanet 227535, MedGen C0346153, MONDO:0016419, OMIM 114480. Disease mechanism: loss of function.

Allele frequency attached by ClinVar (database versions not stated): gnomAD exomes below 0.00001; gnomAD 0.00002; TOPMed 0.00003.
gnomAD v4.1: 17 of 1,613,896 alleles (0.0011%); highest among the groups gnomAD compares: African/African-American, 0.0053%; no homozygotes.

Submissions (8):

Labcorp Genetics (formerly Invitae), Labcorp
Classification: Uncertain significance for Familial cancer of breast. Last evaluated: 2025-10-20. Review status: criteria provided, single submitter. Criteria: Invitae Variant Classification Sherloc (09022015). Collection method: clinical testing. Allele origin: germline.
Comment: This sequence change replaces methionine, which is neutral and non-polar, with valine, which is neutral and non-polar, at codon 560 of the BARD1 protein (p.Met560Val). This variant is present in population databases (rs587780020, gnomAD 0.004%). This variant has not been reported in the literature in individuals affected with BARD1-related conditions. ClinVar contains an entry for this variant (Variation ID: 220065). An algorithm developed to predict the effect of missense changes on protein structure and function outputs the following: PolyPhen-2: "Benign". The valine amino acid residue is found in multiple mammalian species, which suggests that this missense change does not adversely affect protein function. RNA analysis performed to evaluate the impact of this missense change on mRNA splicing indicates it does not significantly alter splicing (internal data). In summary, the available evidence is currently insufficient to determine the role of this variant in disease. Therefore, it has been classified as a Variant of Uncertain Significance.

KCCC/NGS Laboratory, Kuwait Cancer Control Center
Classification: Uncertain significance for Familial cancer of breast. Last evaluated: 2025-07-08. Review status: criteria provided, single submitter. Criteria: ACMG Guidelines, 2015. Collection method: clinical testing. Allele origin: germline. Inheritance: Autosomal dominant inheritance. Affected: yes. Observed: 1 heterozygote.
Comment: This sequence change replaces methionine, which is neutral and non-polar, with valine, which is neutral and non-polar, at codon 560 of the BARD1 protein (p.Met560Val). This variant is present in population databases (rs587780020, gnomAD 0.004%). This variant has not been reported in the literature in individuals affected with BARD1-related conditions. ClinVar contains an entry for this variant (Variation ID: 220065). In silico analysis indicates that this missense variant does not alter protein structure/function. In summary, the available evidence is currently insufficient to determine the role of this variant in disease. Therefore, it has been classified as a Variant of Uncertain Significance.

Molecular Pathology, Peter Maccallum Cancer Centre
Classification: Uncertain significance for BARD1-related cancer predisposition. Last evaluated: 2025-04-01. Review status: criteria provided, single submitter. Criteria: ACMG Guidelines, 2015. Collection method: clinical testing. Allele origin: germline. Inheritance: Autosomal dominant inheritance.

Color Diagnostics, LLC DBA Color Health
Classification: Uncertain significance for Hereditary cancer-predisposing syndrome. Last evaluated: 2024-12-17. Review status: criteria provided, single submitter. Criteria: ACMG Guidelines, 2015. Collection method: clinical testing. Allele origin: germline.
Comment: This missense variant replaces methionine with valine at codon 560 of the BARD1 protein. Computational prediction suggests that this variant may not impact protein structure and function. To our knowledge, functional studies have not been reported for this variant. This variant has not been reported in individuals affected with hereditary cancer in the literature. This variant has been identified in 2/282664 chromosomes in the general population by the Genome Aggregation Database (gnomAD). The available evidence is insufficient to determine the role of this variant in disease conclusively. Therefore, this variant is classified as a Variant of Uncertain Significance.

GeneDx
Classification: Uncertain significance. Last evaluated: 2024-09-30. Review status: criteria provided, single submitter. Criteria: GeneDx Variant Classification Process June 2021. Collection method: clinical testing. Allele origin: germline. Affected: yes.
Comment: Not observed at significant frequency in large population cohorts (gnomAD); In silico analysis indicates that this missense variant does not alter protein structure/function; Has not been previously published as pathogenic or benign to our knowledge; This variant is associated with the following publications: (PMID: 26787654, 18842000)

Myriad Genetics, Inc.
Classification: Likely benign for Familial cancer of breast. Last evaluated: 2024-07-26. Review status: criteria provided, single submitter. Criteria: Myriad Autosomal Dominant, Autosomal Recessive and X-Linked Classification Criteria (2023). Collection method: clinical testing. Allele origin: unknown.
Comment: This variant is considered likely benign. This variant is strongly associated with less severe personal and family histories of cancer, typical for individuals without pathogenic variants in this gene [PMID: 25085752].

Department of Pathology and Laboratory Medicine, Sinai Health System
Classification: Uncertain significance for BARD1-related cancer predisposition. Last evaluated: 2020-01-23. Review status: criteria provided, single submitter. Criteria: ACMG Guidelines, 2015. Collection method: clinical testing. Allele origin: germline. Affected: no.

Ambry Genetics
Classification: Likely benign for Hereditary cancer-predisposing syndrome. Last evaluated: 2019-06-13. Review status: criteria provided, single submitter. Criteria: Ambry Variant Classification Scheme 2023. Collection method: clinical testing. Allele origin: germline.

Literature cited by the submitters: PubMed 25085752 (cited by Myriad Genetics, Inc.).

NM_000465.4(BARD1):c.1678A>G (p.Met560Val)

Gene: BARD1 (BRCA1 associated RING domain 1; minus strand). Cytogenetic location: 2q35.
Variant type: single nucleotide variant.
Coding change: c.1678A>G on transcript NM_000465.4 (MANE Select); coding-DNA position 1678, A replaced by G.
Protein change: p.Met560Val; replaces methionine 560 with valine.
Molecular consequence: missense variant. On other transcripts: non-coding transcript variant (3), intron variant (1).
Genome position (GRCh38, 1-based): chr2:214,745,854, T>C on the plus strand (A>G on the coding strand, the complement: BARD1 is on the minus strand). VCF-style: chr2-214745854-T-C. GRCh37 (hg19) VCF-style: chr2-215610578-T-C.
Other names: c.1621A>G, p.Met541Val (NM_001282543.2); c.325A>G, p.Met109Val (NM_001282545.2); c.268A>G, p.Met90Val (NM_001282548.2); c.365-15346A>G (NM_001282549.2); short protein forms M560V, M109V, M90V, M541V.
Identifiers: ClinVar variation 220065 (VCV000220065.26), dbSNP rs587780020, ClinGen allele CA350148.